The following is an entry in ClinVar:

ClinVar aggregate classification (germline): Conflicting classifications of pathogenicity. Review status: criteria provided, conflicting classifications (1 of 4 stars). 6 submissions from 6 submitters: Uncertain significance (1); Likely benign (5). Last evaluated 2025-10-09.

Conditions:
Charcot-Marie-Tooth disease type 2. Also called: Charcot-Marie-Tooth type 2. Identifiers: Orphanet 64746, MedGen C0270914, MONDO:0018993.
Primary dilated cardiomyopathy (DCM). Also called: Dilated Cardiomyopathy. Identifiers: Orphanet 217604, MedGen C0007193, MeSH D002311, MONDO:0005021, HP:0001644. Inheritance: Various modes of inheritance.
Cardiovascular phenotype. Identifiers: MedGen CN230736.
Cardiomyopathy (CMYO). Also called: Cardiomyopathies. Identifiers: Orphanet 167848, MedGen C0878544, MONDO:0004994, HP:0001638. Inheritance: Various modes of inheritance.

Allele frequency attached by ClinVar (database versions not stated): gnomAD 0.00001; gnomAD exomes 0.00001; ExAC 0.00001; TOPMed below 0.00001.
gnomAD v4.1: 14 of 1,614,204 alleles (0.00087%); highest among the groups gnomAD compares: East Asian, 0.0022%; no homozygotes.

Submissions (6):

Labcorp Genetics (formerly Invitae), Labcorp
Classification: Likely benign for Charcot-Marie-Tooth disease type 2. Last evaluated: 2025-10-09. Review status: criteria provided, single submitter. Criteria: Invitae Variant Classification Sherloc (09022015). Collection method: clinical testing. Allele origin: germline.

Ambry Genetics
Classification: Likely benign for Cardiovascular phenotype. Last evaluated: 2024-09-22. Review status: criteria provided, single submitter. Criteria: Ambry Variant Classification Scheme 2023. Collection method: clinical testing. Allele origin: germline.

All of Us Research Program, National Institutes of Health
Classification: Likely benign for Primary dilated cardiomyopathy. Last evaluated: 2023-12-18. Review status: criteria provided, single submitter. Criteria: ACMG Guidelines, 2015. Collection method: clinical testing. Allele origin: germline. Inheritance: Autosomal dominant inheritance. Observed: 2 variant alleles, 2 heterozygotes.
Comment: This study involves interpretation of variants in research participants for the purpose of population health screening. Participant phenotype was not available at the time of variant classification. Additional details can be found in publication PMID: 35346344, PMCID: PMC8962531

Color Diagnostics, LLC DBA Color Health
Classification: Likely benign for Cardiomyopathy. Last evaluated: 2019-12-16. Review status: criteria provided, single submitter. Criteria: ACMG Guidelines, 2015. Collection method: clinical testing. Allele origin: germline.

CHEO Genetics Diagnostic Laboratory, Children's Hospital of Eastern Ontario
Classification: Likely benign for Cardiomyopathy. Last evaluated: 2017-10-30. Review status: criteria provided, single submitter. Criteria: ACMG Guidelines, 2015. Collection method: clinical testing. Allele origin: germline. Study: Canadian Open Genetics Repository.

Eurofins Ntd Llc (ga)
Classification: Uncertain significance. Last evaluated: 2016-09-05. Review status: criteria provided, single submitter. Criteria: EGL Classification Definitions 2015. Collection method: clinical testing. Allele origin: germline. Observed: 1 variant allele, 1 heterozygote.

NM_170707.4(LMNA):c.732G>A (p.Ala244=)

Gene: LMNA (lamin A/C; plus strand). Cytogenetic location: 1q22.
Variant type: single nucleotide variant.
Coding change: c.732G>A on transcript NM_170707.4 (MANE Select); coding-DNA position 732, G replaced by A.
Protein change: p.Ala244=; no amino-acid change (alanine 244 retained).
Molecular consequence: synonymous variant.
Genome position (GRCh38, 1-based): chr1:156,134,897, G>A. VCF-style: chr1-156134897-G-A. GRCh37 (hg19) VCF-style: chr1-156104688-G-A.
Other names: c.396G>A, p.Ala132= (NM_001257374.3); c.489G>A, p.Ala163= (NM_001282624.2); c.732G>A, p.Ala244= (NM_001282625.2, NM_001282626.2, NM_005572.4 and 1 more transcripts).
Identifiers: ClinVar variation 290708 (VCV000290708.19), dbSNP rs756952925, ClinGen allele CA054233.